The following is an entry in ClinVar:

NM_005732.4(RAD50):c.3619-5dup

Genes: TH2LCRR (T helper type 2 locus control region associated RNA; minus strand), RAD50 (RAD50 double strand break repair protein; plus strand), TH2-LCR (Th2 cytokine locus control region; plus strand). Cytogenetic location: 5q31.1.
Variant type: Duplication.
Coding change: c.3619-5dup on transcript NM_005732.4 (MANE Select); 5 bases into the intron before coding-DNA position 3619, one base duplicated (T; older notation c.3619-5dupT).
Molecular consequence: intron variant.
Genome position (GRCh38, 1-based): chr5:132,640,667, T duplicated; the last of 6 consecutive T bases (chr5:132,640,662-132,640,667); duplicating any one gives the same sequence. VCF-style (leftmost placement, unchanged base first): chr5-132640661-C-CT. GRCh37 (hg19) VCF-style: chr5-131976353-C-CT.
Identifiers: ClinVar variation 1600371 (VCV001600371.11), dbSNP rs1411469588, ClinGen allele CA562769697.

ClinVar aggregate classification (germline): Benign/Likely benign. Review status: criteria provided, multiple submitters, no conflicts (2 of 4 stars). 3 submissions from 3 submitters: Benign (1); Likely benign (2). Last evaluated 2025-10-20.

Conditions:
Hereditary cancer-predisposing syndrome. Also called: Tumor predisposition; Hereditary Cancer Syndrome; Neoplastic Syndromes, Hereditary; Hereditary neoplastic syndrome. Identifiers: Orphanet 140162, MedGen C0027672, MeSH D009386, MONDO:0015356.
RAD50-related disorder. Also called: RAD50-related condition.

Submissions (3):

Labcorp Genetics (formerly Invitae), Labcorp
Classification: Benign for Hereditary cancer-predisposing syndrome. Last evaluated: 2025-10-20. Review status: criteria provided, single submitter. Criteria: Invitae Variant Classification Sherloc (09022015). Collection method: clinical testing. Allele origin: germline.

PreventionGenetics, part of Exact Sciences
Classification: Likely benign for RAD50-related condition. Last evaluated: 2025-05-03. Review status: criteria provided, single submitter. Criteria: ACMG Guidelines, 2015. Collection method: clinical testing. Allele origin: germline.
Comment: This variant is classified as likely benign based on ACMG/AMP sequence variant interpretation guidelines (Richards et al. 2015 PMID: 25741868, with internal and published modifications).

Ambry Genetics
Classification: Likely benign for Hereditary cancer-predisposing syndrome. Last evaluated: 2022-10-24. Review status: criteria provided, single submitter. Criteria: Ambry Variant Classification Scheme 2023. Collection method: clinical testing. Allele origin: germline.